The following is an entry in ClinVar:

ClinVar aggregate classification (germline): Pathogenic. Review status: reviewed by expert panel (3 of 4 stars). 3 submissions from 3 submitters: Pathogenic (1). 2 of the submissions do not count toward it. Last evaluated 2016-10-18.

Conditions:
Breast-ovarian cancer, familial, susceptibility to, 2 (BROVCA2). Also called: BRCA2 Hereditary Breast and Ovarian Cancer. Identifiers: Orphanet 145, MedGen C2675520, MONDO:0012933, OMIM 612555. Disease mechanism: loss of function.

Submissions (3):

Evidence-based Network for the Interpretation of Germline Mutant Alleles (ENIGMA)
Classification: Pathogenic for Breast-ovarian cancer, familial, susceptibility to, 2. Last evaluated: 2016-10-18. Review status: reviewed by expert panel. Criteria: ENIGMA BRCA1/2 Classification Criteria (2015). Collection method: curation. Allele origin: germline.
Comment: Variant allele predicted to encode a truncated non-functional protein.

Consortium of Investigators of Modifiers of BRCA1/2 (CIMBA), c/o University of Cambridge
Classification: Pathogenic for Breast-ovarian cancer, familial, susceptibility to, 2. Last evaluated: 2015-10-02. Review status: criteria provided, single submitter. Criteria: CIMBA Mutation Classification guidelines May 2016. Collection method: clinical testing. Allele origin: germline. Not counted in ClinVar's aggregate classification.

Breast Cancer Information Core (BIC) (BRCA2)
Classification: Pathogenic for Breast-ovarian cancer, familial 2. Last evaluated: 2013-02-20. Review status: no assertion criteria provided. Collection method: clinical testing. Allele origin: somatic. Affected: yes. Observed: 1 variant allele. Not counted in ClinVar's aggregate classification.

U43746.1(BRCA2):n.6325_6326insT

Gene: BRCA2 (BRCA2 DNA repair associated; plus strand). Cytogenetic location: 13q13.1.
Variant type: Duplication.
Genome position: GRCh38 VCF-style: chr13-32340452-A-AT. GRCh37 (hg19) VCF-style: chr13-32914589-A-AT.
Other names: 6325insT; c.6098dup, p.Arg2034fs (LRG_293t1).
Identifiers: ClinVar variation 126089 (VCV000126089.5), dbSNP rs1555284549, ClinGen allele CA023646.